The following is an entry in ClinVar:

ClinVar aggregate classification (germline): Uncertain significance. Review status: criteria provided, multiple submitters, no conflicts (2 of 4 stars). 2 submissions from 2 submitters: Uncertain significance (2). Last evaluated 2023-12-28.

Conditions:
Hereditary cancer-predisposing syndrome. Also called: Hereditary Cancer Syndrome; Neoplastic Syndromes, Hereditary; Tumor predisposition; Hereditary neoplastic syndrome. Identifiers: Orphanet 140162, MedGen C0027672, MeSH D009386, MONDO:0015356.

Allele frequency attached by ClinVar (database versions not stated): gnomAD exomes 0.00001.
gnomAD v4.1: 8 of 1,614,174 alleles (0.0005%); highest among the groups gnomAD compares: South Asian, 0.0088%; no homozygotes.

Submissions (2):

Ambry Genetics
Classification: Uncertain significance for Hereditary cancer-predisposing syndrome. Last evaluated: 2023-12-28. Review status: criteria provided, single submitter. Criteria: Ambry Variant Classification Scheme 2023. Collection method: clinical testing. Allele origin: germline.
Comment: The p.D198N variant (also known as c.592G>A), located in coding exon 5 of the CDH1 gene, results from a G to A substitution at nucleotide position 592. The aspartic acid at codon 198 is replaced by asparagine, an amino acid with highly similar properties. This amino acid position is well conserved in available vertebrate species. In addition, this alteration is predicted to be tolerated by in silico analysis. Since supporting evidence is limited at this time, the clinical significance of this alteration remains unclear.

Color Diagnostics, LLC DBA Color Health
Classification: Uncertain significance for Hereditary cancer-predisposing syndrome. Last evaluated: 2019-04-05. Review status: criteria provided, single submitter. Criteria: ACMG Guidelines, 2015. Collection method: clinical testing. Allele origin: germline.

NM_004360.5(CDH1):c.592G>A (p.Asp198Asn)

Gene: CDH1 (cadherin 1; plus strand). Cytogenetic location: 16q22.1.
Variant type: single nucleotide variant.
Coding change: c.592G>A on transcript NM_004360.5 (MANE Select); coding-DNA position 592, G replaced by A.
Protein change: p.Asp198Asn; replaces aspartic acid 198 with asparagine.
Molecular consequence: missense variant. On other transcripts: 5 prime UTR variant (2).
Genome position (GRCh38, 1-based): chr16:68,808,753, G>A. VCF-style: chr16-68808753-G-A. GRCh37 (hg19) VCF-style: chr16-68842656-G-A.
Other names: c.592G>A (LRG_301t1); c.592G>A, p.Asp198Asn (NM_001317184.2); c.-1024G>A (NM_001317185.2); c.-1228G>A (NM_001317186.2); short protein forms D198N.
Identifiers: ClinVar variation 489859 (VCV000489859.8), dbSNP rs1308439785, ClinGen allele CA396457974.
Genomic context (GRCh38, chr16:68,808,753, plus strand): 5'-ATCAAATCCAACAAAGACAAAGAAGGCAAGGTTTTCTACAGCATCACTGGCCAAGGAGCT[G>A]ACACACCCCCTGTTGGTGTCTTTATTATTGAAAGAGAAACAGGATGGCTGAAGGTGACAG-3'
Protein context (NP_004351.1, residues 188-208): VFYSITGQGA[Asp198Asn]TPPVGVFIIE